The following is an entry in ClinVar:

NM_003001.5(SDHC):c.180-13T>C

Gene: SDHC (succinate dehydrogenase complex subunit C; plus strand). Cytogenetic location: 1q23.3.
Variant type: single nucleotide variant.
Coding change: c.180-13T>C on transcript NM_003001.5 (MANE Select); 13 bases into the intron before coding-DNA position 180, T replaced by C.
Molecular consequence: intron variant.
Genome position (GRCh38, 1-based): chr1:161,340,581, T>C. VCF-style: chr1-161340581-T-C. GRCh37 (hg19) VCF-style: chr1-161310371-T-C.
Other names: c.69-13T>C (NM_001407119.1, NM_001407120.1); c.300-13T>C (NM_001407115.1); c.180-13T>C (NM_001035511.3); c.78-13T>C (NM_001035512.3, NM_001278172.3, NM_001407118.1); c.123-13T>C (NM_001407116.1, NM_001407121.1, NM_001407117.1); c.21-13T>C (NM_001035513.3).
Identifiers: ClinVar variation 1950594 (VCV001950594.7), dbSNP rs2526444246, ClinGen allele CA2573942470.

ClinVar aggregate classification (germline): Likely benign. Review status: criteria provided, multiple submitters, no conflicts (2 of 4 stars). 3 submissions from 3 submitters: Likely benign (3). Last evaluated 2026-01-27.

Conditions:
Pheochromocytoma/paraganglioma syndrome 3. Also called: SDHC-Related Hereditary Paraganglioma-Pheochromocytoma Syndrome (Paragangliomas 3); SDHC-Related Hereditary Paraganglioma-Pheochromocytoma Syndrome; GLOMUS TUMORS, FAMILIAL, 3; Paragangliomas 3. Identifiers: Orphanet 29072, MedGen C1854336, MONDO:0011544, OMIM 605373.
Gastrointestinal stromal tumor. Also called: Gastrointestinal stromal tumor, somatic; Gastrointestinal stroma tumor. Identifiers: Orphanet 44890, MedGen C0238198, MeSH D046152, MONDO:0011719, OMIM 606764, HP:0100723.
Hereditary pheochromocytoma and paraganglioma. Also called: Hereditary pheochromocytoma-paraganglioma; Hereditary Paraganglioma-Pheochromocytoma Syndromes; Hereditary paragangliomas and pheochromocytomas. Identifiers: Orphanet 29072, MedGen C4274332, MONDO:0017366.

Submissions (3):

Labcorp Genetics (formerly Invitae), Labcorp
Classification: Likely benign for Pheochromocytoma/paraganglioma syndrome 3; Gastrointestinal stromal tumor. Last evaluated: 2026-01-27. Review status: criteria provided, single submitter. Criteria: Invitae Variant Classification Sherloc (09022015). Collection method: clinical testing. Allele origin: germline.

Myriad Genetics, Inc.
Classification: Likely benign for Pheochromocytoma/paraganglioma syndrome 3. Last evaluated: 2025-03-14. Review status: criteria provided, single submitter. Criteria: Myriad Autosomal Dominant, Autosomal Recessive and X-Linked Classification Criteria (2023). Collection method: clinical testing. Allele origin: unknown.
Comment: This variant is considered likely benign. This variant is intronic and is not expected to impact mRNA splicing.

All of Us Research Program, National Institutes of Health
Classification: Likely benign for Hereditary pheochromocytoma and paraganglioma. Last evaluated: 2024-04-16. Review status: criteria provided, single submitter. Criteria: ACMG Guidelines, 2015. Collection method: clinical testing. Allele origin: germline. Inheritance: Autosomal dominant inheritance. Observed: 1 variant allele, 1 heterozygote.
Comment: This study involves interpretation of variants in research participants for the purpose of population health screening. Participant phenotype was not available at the time of variant classification. Additional details can be found in publication PMID: 35346344, PMCID: PMC8962531